The following is an entry in ClinVar:

NM_006206.6(PDGFRA):c.268G>A (p.Ala90Thr)

Gene: PDGFRA (platelet derived growth factor receptor alpha; plus strand). Cytogenetic location: 4q12.
Variant type: single nucleotide variant.
Coding change: c.268G>A on transcript NM_006206.6 (MANE Select); coding-DNA position 268, G replaced by A.
Protein change: p.Ala90Thr; replaces alanine 90 with threonine.
Molecular consequence: missense variant.
Genome position (GRCh38, 1-based): chr4:54,261,313, G>A. VCF-style: chr4-54261313-G-A. GRCh37 (hg19) VCF-style: chr4-55127480-G-A.
Other names: c.268G>A, p.Ala90Thr (NM_001347827.2, NM_001347829.2); c.343G>A, p.Ala115Thr (NM_001347828.2); c.307G>A, p.Ala103Thr (NM_001347830.2); short protein forms A103T, A115T, A90T.
Identifiers: ClinVar variation 2133316 (VCV002133316.5), dbSNP rs2110243076, ClinGen allele CA356888720.
Genomic context (GRCh38, chr4:54,261,313, plus strand): 5'-GAAATCAGAAATGAAGAAAACAACAGCGGCCTTTTTGTGACGGTCTTGGAAGTGAGCAGT[G>A]CCTCGGCGGCCCACACAGGGTTGTACACTTGCTATTACAACCACACTCAGACAGAAGAGA-3'
Protein context (NP_006197.1, residues 80-100): LFVTVLEVSS[Ala90Thr]SAAHTGLYTC

ClinVar aggregate classification (germline): Uncertain significance. Review status: criteria provided, multiple submitters, no conflicts (2 of 4 stars). 2 submissions from 2 submitters: Uncertain significance (2). Last evaluated 2025-11-12.

Conditions:
Hereditary cancer-predisposing syndrome. Also called: Hereditary Cancer Syndrome; Hereditary neoplastic syndrome; Neoplastic Syndromes, Hereditary; Tumor predisposition. Identifiers: Orphanet 140162, MedGen C0027672, MeSH D009386, MONDO:0015356.
Gastrointestinal stromal tumor. Also called: Gastrointestinal stroma tumor; Gastrointestinal stromal tumor, somatic. Identifiers: Orphanet 44890, MedGen C0238198, MeSH D046152, MONDO:0011719, OMIM 606764, HP:0100723.

Submissions (2):

Labcorp Genetics (formerly Invitae), Labcorp
Classification: Uncertain significance for Gastrointestinal stromal tumor. Last evaluated: 2025-11-12. Review status: criteria provided, single submitter. Criteria: Invitae Variant Classification Sherloc (09022015). Collection method: clinical testing. Allele origin: germline.
Comment: This sequence change replaces alanine, which is neutral and non-polar, with threonine, which is neutral and polar, at codon 90 of the PDGFRA protein (p.Ala90Thr). This variant is not present in population databases (gnomAD no frequency). This variant has not been reported in the literature in individuals affected with PDGFRA-related conditions. ClinVar contains an entry for this variant (Variation ID: 2133316). Invitae Evidence Modeling of protein sequence and biophysical properties (such as structural, functional, and spatial information, amino acid conservation, physicochemical variation, residue mobility, and thermodynamic stability) indicates that this missense variant is not expected to disrupt PDGFRA protein function with a negative predictive value of 80%. In summary, the available evidence is currently insufficient to determine the role of this variant in disease. Therefore, it has been classified as a Variant of Uncertain Significance.

Ambry Genetics
Classification: Uncertain significance for Hereditary cancer-predisposing syndrome. Last evaluated: 2025-04-11. Review status: criteria provided, single submitter. Criteria: Ambry Variant Classification Scheme 2023. Collection method: clinical testing. Allele origin: germline.
Comment: The p.A90T variant (also known as c.268G>A), located in coding exon 2 of the PDGFRA gene, results from a G to A substitution at nucleotide position 268. The alanine at codon 90 is replaced by threonine, an amino acid with similar properties. This amino acid position is conserved. In addition, the in silico prediction for this alteration is inconclusive. Based on the available evidence, the clinical significance of this variant remains unclear.